The following is an entry in ClinVar:

ClinVar aggregate classification (germline): Conflicting classifications of pathogenicity. Review status: criteria provided, conflicting classifications (1 of 4 stars). 10 submissions from 10 submitters: Uncertain significance (6); Likely benign (3). 1 of the submissions does not count toward it. Last evaluated 2026-02-01.

Conditions:
HPS6-related disorder. Also called: HPS6-related condition.
Hermansky-Pudlak syndrome 6 (HPS6). Identifiers: Orphanet 231512, Orphanet 79430, MedGen C3888007, MONDO:0013558, OMIM 614075.

Allele frequency attached by ClinVar (database versions not stated): ExAC 0.00033; ESP Exome Variant Server 0.00090; gnomAD 0.00211 and 0.00222; TOPMed 0.00218; gnomAD exomes 0.00236 and 0.00338.

Submissions (10):

Labcorp Genetics (formerly Invitae), Labcorp
Classification: Likely benign. Last evaluated: 2026-02-01. Review status: criteria provided, single submitter. Criteria: Invitae Variant Classification Sherloc (09022015). Collection method: clinical testing. Allele origin: germline.

Women's Health and Genetics/Laboratory Corporation of America, LabCorp
Classification: Likely benign. Last evaluated: 2025-11-10. Review status: criteria provided, single submitter. Criteria: LabCorp Variant Classification Summary - May 2015. Collection method: clinical testing. Allele origin: germline.
Comment: Variant summary: HPS6 c.337C>T (p.Arg113Trp) results in a non-conservative amino acid change located in the BLOC-2 complex member HPS6, N-terminal domain (IPR046823) of the encoded protein sequence. Algorithms developed to predict the effect of missense changes on protein structure and function are either unavailable or do not agree on the potential impact of this missense change. The variant allele was found at a frequency of 0.0024 in 78010 control chromosomes, predominantly at a frequency of 0.0046 within the Non-Finnish European subpopulation in the gnomAD database. The observed variant frequency within Non-Finnish European control individuals in the gnomAD database exceeds the estimated maximal expected allele frequency for disease-causing variants in HPS6.c.337C>T has been reported in the literature in at least an individual affected with albinism (example: Lasseaux_2018). This report does not provide unequivocal conclusions about association of the variant with Hermansky-Pudlak Syndrome. To our knowledge, no experimental evidence demonstrating an impact on protein function has been reported. The following publication has been ascertained in the context of this evaluation (PMID: 29345414). ClinVar contains an entry for this variant (Variation ID: 282566). Based on the evidence outlined above, the variant was classified as likely benign.

Mayo Clinic Laboratories, Mayo Clinic
Classification: Likely benign. Last evaluated: 2025-05-07. Review status: criteria provided, single submitter. Criteria: ACMG Guidelines, 2015. Collection method: clinical testing. Allele origin: germline. Observed: 3 variant alleles.
Comment: BS1, BS2, BP4_moderate

Blueprint Genetics
Classification: Uncertain significance. Last evaluated: 2024-10-09. Review status: criteria provided, single submitter. Criteria: ACMG Guidelines, 2015. Collection method: clinical testing. Allele origin: germline.

GeneDx
Classification: Uncertain significance. Last evaluated: 2024-04-09. Review status: criteria provided, single submitter. Criteria: GeneDx Variant Classification Process June 2021. Collection method: clinical testing. Allele origin: germline. Affected: yes.
Comment: In silico analysis supports that this missense variant does not alter protein structure/function; This variant is associated with the following publications: (PMID: 38091959, 29345414)

Department of Pathology and Laboratory Medicine, Sinai Health System
Classification: Uncertain significance for Hermansky-Pudlak syndrome 6. Last evaluated: 2021-07-30. Review status: criteria provided, single submitter. Criteria: ACMG Guidelines, 2015. Collection method: research. Allele origin: germline.

Genetic Services Laboratory, University of Chicago
Classification: Uncertain significance. Last evaluated: 2019-05-15. Review status: criteria provided, single submitter. Criteria: ACMG Guidelines, 2015. Collection method: clinical testing. Allele origin: germline. Affected: no.

Illumina Laboratory Services, Illumina
Classification: Uncertain significance for Hermansky-Pudlak syndrome 6. Last evaluated: 2018-01-13. Review status: criteria provided, single submitter. Criteria: ICSL Variant Classification Criteria 13 December 2019. Collection method: clinical testing. Allele origin: germline.

Eurofins Ntd Llc (ga)
Classification: Uncertain significance. Last evaluated: 2017-06-01. Review status: criteria provided, single submitter. Criteria: EGL Classification Definitions 2015. Collection method: clinical testing. Allele origin: germline. Observed: 2 variant alleles, 2 heterozygotes.

PreventionGenetics, part of Exact Sciences
Classification: Likely benign for HPS6-related condition. Last evaluated: 2024-03-01. Review status: no assertion criteria provided. Collection method: clinical testing. Allele origin: germline. Not counted in ClinVar's aggregate classification.
Comment: This variant is classified as likely benign based on ACMG/AMP sequence variant interpretation guidelines (Richards et al. 2015 PMID: 25741868, with internal and published modifications).

Literature cited by the submitters: PubMed 29345414 (cited by Women's Health and Genetics/Laboratory Corporation of America, LabCorp and Mayo Clinic Laboratories, Mayo Clinic); PubMed 31898847 (cited by Mayo Clinic Laboratories, Mayo Clinic); PubMed 38091959 (cited by Mayo Clinic Laboratories, Mayo Clinic).

NM_024747.6(HPS6):c.337C>T (p.Arg113Trp)

Gene: HPS6 (HPS6 biogenesis of lysosomal organelles complex 2 subunit 3; plus strand). Cytogenetic location: 10q24.32.
Variant type: single nucleotide variant.
Coding change: c.337C>T on transcript NM_024747.6 (MANE Select); coding-DNA position 337, C replaced by T.
Protein change: p.Arg113Trp; replaces arginine 113 with tryptophan.
Molecular consequence: missense variant.
Genome position (GRCh38, 1-based): chr10:102,065,811, C>T. VCF-style: chr10-102065811-C-T. GRCh37 (hg19) VCF-style: chr10-103825568-C-T.
Other names: p.Arg113Trp; short protein forms R113W.
Identifiers: ClinVar variation 282566 (VCV000282566.34), dbSNP rs371307947, ClinGen allele CA5659773.
Genomic context (GRCh38, chr10:102,065,811, plus strand): 5'-GTGCTGGTGTGGGAGAGTGGCCTGGCCGAGGTGTGGGGCGCGGGCGTGGGGCCTGGCTGG[C>T]GGCCGCTGCAGAGCACCGAGCTGTGTCCGGGCGGGGGAGCCCGCGTTGTGGCAGTGGCGG-3'
Protein context (NP_079023.2, residues 103-123): VWGAGVGPGW[Arg113Trp]PLQSTELCPG